The following is an entry in ClinVar:

ClinVar aggregate classification (germline): Uncertain significance (1 of 4 stars; one submission).

Allele frequency attached by ClinVar (database versions not stated): gnomAD exomes below 0.00001; ExAC 0.00001; gnomAD 0.00001; TOPMed 0.00002; ESP Exome Variant Server 0.00008.
gnomAD v4.1: 3 of 1,613,888 alleles (0.00019%); highest among the groups gnomAD compares: African/African-American, 0.0027%; no homozygotes.

Submission:

Ambry Genetics
Classification: Uncertain significance. Last evaluated: 2023-01-28. Review status: criteria provided, single submitter. Criteria: Ambry Variant Classification Scheme 2023. Collection method: clinical testing. Allele origin: germline.
Comment: The p.L29P variant (also known as c.86T>C), located in coding exon 2 of the RAD54L gene, results from a T to C substitution at nucleotide position 86. The leucine at codon 29 is replaced by proline, an amino acid with similar properties. This amino acid position is conserved. In addition, this alteration is predicted to be tolerated by in silico analysis. Since supporting evidence is limited at this time, the clinical significance of this alteration remains unclear.

NM_003579.4(RAD54L):c.86T>C (p.Leu29Pro)

Gene: RAD54L (RAD54 like; plus strand). Cytogenetic location: 1p34.1.
Variant type: single nucleotide variant.
Coding change: c.86T>C on transcript NM_003579.4 (MANE Select); coding-DNA position 86, T replaced by C.
Protein change: p.Leu29Pro; replaces leucine 29 with proline.
Molecular consequence: missense variant. On other transcripts: 5 prime UTR variant (1).
Genome position (GRCh38, 1-based): chr1:46,248,594, T>C. VCF-style: chr1-46248594-T-C. GRCh37 (hg19) VCF-style: chr1-46714266-T-C.
Other names: c.86T>C, p.Leu29Pro (NM_001142548.2); c.-455T>C (NM_001370766.1); short protein forms L29P.
Identifiers: ClinVar variation 2464540 (VCV002464540.2), dbSNP rs372813999, ClinGen allele CA834122.
Genomic context (GRCh38, chr1:46,248,594, plus strand): 5'-AGCTGGCCAAGAGAAAACCTGAAGGCAGGTCCTGTGATGATGAAGACTGGCAACCTGGCC[T>C]AGTGGTGAGCACTCAAGGGGACAGGGAAGGTGGGTAGAGCTGTTTGGACAGAAAAGAAGC-3'
Protein context (NP_003570.2, residues 19-39): SCDDEDWQPG[Leu29Pro]VTPRKRKSSS